The following is an entry in ClinVar:

NM_013247.5(HTRA2):c.136C>T (p.Pro46Ser)

Gene: HTRA2 (HtrA serine peptidase 2; plus strand). Cytogenetic location: 2p13.1.
Variant type: single nucleotide variant.
Coding change: c.136C>T on transcript NM_013247.5 (MANE Select); coding-DNA position 136, C replaced by T.
Protein change: p.Pro46Ser; replaces proline 46 with serine.
Molecular consequence: missense variant. On other transcripts: non-coding transcript variant (1).
Genome position (GRCh38, 1-based): chr2:74,530,142, C>T. VCF-style: chr2-74530142-C-T. GRCh37 (hg19) VCF-style: chr2-74757269-C-T.
Other names: c.136C>T, p.Pro46Ser (NM_001321727.1, NM_001321728.1, NM_145074.2); short protein forms P46S.
Identifiers: ClinVar variation 2065418 (VCV002065418.4), dbSNP rs752569638, ClinGen allele CA1728290.

ClinVar aggregate classification (germline): Uncertain significance (1 of 4 stars; one submission).

Allele frequency attached by ClinVar (database versions not stated): gnomAD exomes below 0.00001; TOPMed below 0.00001; ExAC 0.00001; gnomAD 0.00001.
gnomAD v4.1: 6 of 1,612,158 alleles (0.00037%); highest among the groups gnomAD compares: Non-Finnish European, 0.00034%; no homozygotes.

Submission:

Labcorp Genetics (formerly Invitae), Labcorp
Classification: Uncertain significance. Last evaluated: 2023-08-10. Review status: criteria provided, single submitter. Criteria: Invitae Variant Classification Sherloc (09022015). Collection method: clinical testing. Allele origin: germline.
Comment: In summary, the available evidence is currently insufficient to determine the role of this variant in disease. Therefore, it has been classified as a Variant of Uncertain Significance. This sequence change replaces proline, which is neutral and non-polar, with serine, which is neutral and polar, at codon 46 of the HTRA2 protein (p.Pro46Ser). This variant is present in population databases (rs752569638, gnomAD 0.02%). This variant has not been reported in the literature in individuals affected with HTRA2-related conditions. ClinVar contains an entry for this variant (Variation ID: 2065418). An algorithm developed to predict the effect of missense changes on protein structure and function (PolyPhen-2) suggests that this variant is likely to be tolerated.